The following is an entry in ClinVar:

ClinVar aggregate classification (germline): Uncertain significance (1 of 4 stars; one submission).

Allele frequency attached by ClinVar (database versions not stated): gnomAD exomes 0.00007; gnomAD 0.00013.
gnomAD v4.1: 83 of 1,165,988 alleles (0.0071%); highest among the groups gnomAD compares: Middle Eastern, 0.07%; no homozygotes.

Submission:

Labcorp Genetics (formerly Invitae), Labcorp
Classification: Uncertain significance. Last evaluated: 2025-12-24. Review status: criteria provided, single submitter. Criteria: Invitae Variant Classification Sherloc (09022015). Collection method: clinical testing. Allele origin: germline.
Comment: This sequence change replaces serine, which is neutral and polar, with alanine, which is neutral and non-polar, at codon 26 of the RCOR1 protein (p.Ser26Ala). The frequency data for this variant in the population databases is considered unreliable, as metrics indicate poor data quality at this position in the gnomAD database. This variant has not been reported in the literature in individuals affected with RCOR1-related conditions. ClinVar contains an entry for this variant (Variation ID: 2073764). An algorithm developed to predict the effect of missense changes on protein structure and function outputs the following: PolyPhen-2: "Not Available". The alanine amino acid residue is found in multiple mammalian species, which suggests that this missense change does not adversely affect protein function. In summary, the available evidence is currently insufficient to determine the role of this variant in disease. Therefore, it has been classified as a Variant of Uncertain Significance.

NM_015156.4(RCOR1):c.76T>G (p.Ser26Ala)

Gene: RCOR1 (REST corepressor 1; plus strand). Cytogenetic location: 14q32.31.
Variant type: single nucleotide variant.
Coding change: c.76T>G on transcript NM_015156.4 (MANE Select); coding-DNA position 76, T replaced by G.
Protein change: p.Ser26Ala; replaces serine 26 with alanine.
Molecular consequence: missense variant.
Genome position (GRCh38, 1-based): chr14:102,592,962, T>G. VCF-style: chr14-102592962-T-G. GRCh37 (hg19) VCF-style: chr14-103059299-T-G.
Other names: short protein forms S26A.
Identifiers: ClinVar variation 2073764 (VCV002073764.4), dbSNP rs1004496269, ClinGen allele CA267349452.
Genomic context (GRCh38, chr14:102,592,962, plus strand): 5'-GAGAAGGGCCCCGAGGTCTCAGGGAAGCGGAGAGGGAGGAACAACGCGGCCGCCTCCGCC[T>G]CCGCCGCCGCCGCCTCCGCCGCCGCCTCGGCCGCCTGCGCCTCGCCAGCCGCCACTGCCG-3'
Protein context (NP_055971.2, residues 16-36): RGRNNAAASA[Ser26Ala]AAAASAAASA